The following is an entry in ClinVar:

ClinVar aggregate classification (germline): Likely benign (1 of 4 stars; one submission).

Conditions:
Leigh syndrome (NULS). Also called: Leigh's necrotizing encephalopathy; Leigh's disease; Leigh Syndrome (mtDNA deletion); Leigh Disease; Subacute necrotizing encephalopathy; Necrotizing encephalopathy infantile subacute of Leigh. Identifiers: Orphanet 506, MedGen C2931891, MONDO:0009723, OMIM 256000.

Submission:

Wong Mito Lab, Molecular and Human Genetics, Baylor College of Medicine
Classification: Likely benign for Leigh syndrome. Last evaluated: 2019-10-17. Review status: criteria provided, single submitter. Criteria: Modified ACMG Guidelines (Unpublished). Collection method: clinical testing. Allele origin: germline.
Comment: The NC_012920.1:m.8530A>G (YP_003024031.1:p.Asn2Asp) variant in MTATP6 gene is interpretated to be a Likely Benign variant based on the modified ACMG guidelines (unpublished). This variant meets the following evidence codes: BS1, BP6

NC_012920.1(MT-ATP8):m.8530A>G

Genes: MT-ATP8 (mitochondrially encoded ATP synthase 8; plus strand), MT-ATP6 (mitochondrially encoded ATP synthase 6; plus strand).
Variant type: single nucleotide variant.
Genome position: chrM-8530-A-G.
Identifiers: ClinVar variation 692887 (VCV000692887.1), dbSNP rs1556423480, ClinGen allele CA414796527.